The following is an entry in ClinVar:

NC_000016.9:g.(?_21964745)_(21994492_?)dup

Gene: UQCRC2 (ubiquinol-cytochrome c reductase core protein 2). Cytogenetic location: 16p12.2.
Variant type: Duplication.
Identifiers: ClinVar variation 2424677 (VCV002424677.3).

ClinVar aggregate classification (germline): Uncertain significance (1 of 4 stars; one submission).

Submission:

Labcorp Genetics (formerly Invitae), Labcorp
Classification: Uncertain significance. Last evaluated: 2022-09-06. Review status: criteria provided, single submitter. Criteria: Invitae Variant Classification Sherloc (09022015). Collection method: clinical testing. Allele origin: germline.
Comment: A copy number gain of the genomic region encompassing the full coding sequence of the UQCRC2 gene has been identified. The boundaries of this event are unknown as they extend beyond the assayed region for this gene and therefore may encompass additional genes. As the precise location of this event is unknown, it may be in tandem or it may be located elsewhere in the genome. This variant has not been reported in the literature in individuals affected with UQCRC2-related conditions. In summary, the available evidence is currently insufficient to determine the role of this variant in disease. Therefore, it has been classified as a Variant of Uncertain Significance.